The following is an entry in ClinVar:

ClinVar aggregate classification (germline): Conflicting classifications of pathogenicity. Review status: criteria provided, conflicting classifications (1 of 4 stars). 3 submissions from 3 submitters: Uncertain significance (2); Likely benign (1). Last evaluated 2026-04-16.

Conditions:
Hereditary breast ovarian cancer syndrome. Also called: Hereditary breast and ovarian cancer; Breast and ovarian cancer; Hereditary breast and/or ovarian cancer syndrome; Hereditary breast and ovarian cancer syndrome; Hereditary breast and ovarian cancer syndrome (HBOC); BRCA1- and BRCA2-Associated Hereditary Breast and Ovarian Cancer. Identifiers: Orphanet 145, MedGen C0677776, MeSH D061325, MONDO:0003582. Disease mechanism: loss of function.
Hereditary cancer-predisposing syndrome. Also called: Tumor predisposition; Neoplastic Syndromes, Hereditary; Hereditary Cancer Syndrome; Hereditary neoplastic syndrome. Identifiers: Orphanet 140162, MedGen C0027672, MeSH D009386, MONDO:0015356.

Submissions (3):

Ambry Genetics
Classification: Uncertain significance for Hereditary cancer-predisposing syndrome. Last evaluated: 2026-04-16. Review status: criteria provided, single submitter. Criteria: Ambry Variant Classification Scheme 2023. Collection method: clinical testing. Allele origin: germline.
Comment: The p.L1229F variant (also known as c.3687G>T), located in coding exon 9 of the BRCA1 gene, results from a G to T substitution at nucleotide position 3687. The leucine at codon 1229 is replaced by phenylalanine, an amino acid with highly similar properties. This amino acid position is highly conserved in available vertebrate species. In addition, the in silico prediction for this alteration is inconclusive. Based on the available evidence, the clinical significance of this variant remains unclear.

Labcorp Genetics (formerly Invitae), Labcorp
Classification: Uncertain significance for Hereditary breast ovarian cancer syndrome. Last evaluated: 2025-05-17. Review status: criteria provided, single submitter. Criteria: Invitae Variant Classification Sherloc (09022015). Collection method: clinical testing. Allele origin: germline.
Comment: This sequence change replaces leucine, which is neutral and non-polar, with phenylalanine, which is neutral and non-polar, at codon 1229 of the BRCA1 protein (p.Leu1229Phe). This variant is not present in population databases (gnomAD no frequency). This variant has not been reported in the literature in individuals affected with BRCA1-related conditions. ClinVar contains an entry for this variant (Variation ID: 1499398). Invitae Evidence Modeling of protein sequence and biophysical properties (such as structural, functional, and spatial information, amino acid conservation, physicochemical variation, residue mobility, and thermodynamic stability) indicates that this missense variant is not expected to disrupt BRCA1 protein function with a negative predictive value of 80%. In summary, the available evidence is currently insufficient to determine the role of this variant in disease. Therefore, it has been classified as a Variant of Uncertain Significance.

University of Washington Department of Laboratory Medicine, University of Washington
Classification: Likely benign for Hereditary cancer-predisposing syndrome. Last evaluated: 2023-03-23. Review status: criteria provided, single submitter. Criteria: Dines et al. (Genet Med. 2020). Collection method: curation. Allele origin: germline.
Comment: Missense variant in a coldspot region where missense variants are very unlikely to be pathogenic (PMID:31911673).

BRCA1 coldspot (exon 11 using historical exon numbering). Reclassification based on statistical prior probability

NM_007294.4(BRCA1):c.3687G>T (p.Leu1229Phe)

Genes: BRCA1 (BRCA1 DNA repair associated; minus strand), LOC126862571 (BRD4-independent group 4 enhancer GRCh37_chr17:41243136-41244335; plus strand). Cytogenetic location: 17q21.31.
Variant type: single nucleotide variant.
Coding change: c.3687G>T on transcript NM_007294.4 (MANE Select); coding-DNA position 3687, G replaced by T.
Protein change: p.Leu1229Phe; replaces leucine 1229 with phenylalanine.
Molecular consequence: missense variant. On other transcripts: intron variant (135).
Genome position (GRCh38, 1-based): chr17:43,091,844, C>A on the plus strand (G>T on the coding strand, the complement: BRCA1 is on the minus strand). VCF-style: chr17-43091844-C-A. GRCh37 (hg19) VCF-style: chr17-41243861-C-A.
Other names: c.3474G>T, p.Leu1158Phe (NM_001407571.1, NM_001407853.1, NM_001407894.1 and 9 more transcripts); c.3687G>T, p.Leu1229Phe (NM_001407581.1, NM_001407582.1, NM_001407583.1 and 30 more transcripts); c.3684G>T, p.Leu1228Phe (NM_001407587.1, NM_001407590.1, NM_001407591.1 and 22 more transcripts); c.3678G>T, p.Leu1226Phe (NM_001407646.1, NM_001407647.1); c.3564G>T, p.Leu1188Phe (NM_001407648.1, NM_001407664.1, NM_001407665.1 and 19 more transcripts); c.3561G>T, p.Leu1187Phe (NM_001407649.1, NM_001407670.1, NM_001407671.1 and 11 more transcripts); c.3609G>T, p.Leu1203Phe (NM_001407653.1, NM_001407654.1, NM_001407655.1 and 4 more transcripts); c.3606G>T, p.Leu1202Phe (NM_001407659.1, NM_001407660.1, NM_001407661.1 and 1 more transcripts); and 41 more; short protein forms L1229F, L1182F, L1118F, L1158F, L1162F, L1187F, L1203F, L1101F.
Identifiers: ClinVar variation 1499398 (VCV001499398.20), dbSNP rs2154294699, ClinGen allele CA10594589.